The following is an entry in ClinVar:

NM_001386140.1(MTTP):c.43T>C (p.Tyr15His)

Gene: MTTP (microsomal triglyceride transfer protein; plus strand). Cytogenetic location: 4q23.
Variant type: single nucleotide variant.
Coding change: c.43T>C on transcript NM_001386140.1 (MANE Select); coding-DNA position 43, T replaced by C.
Protein change: p.Tyr15His; replaces tyrosine 15 with histidine.
Molecular consequence: missense variant. On other transcripts: intron variant (1).
Genome position (GRCh38, 1-based): chr4:99,574,952, T>C. VCF-style: chr4-99574952-T-C. GRCh37 (hg19) VCF-style: chr4-100496109-T-C.
Other names: c.43T>C, p.Tyr15His (NM_000253.4); c.-188-6953T>C (NM_001300785.2); c.43T>C (NM_000253.2); short protein forms Y15H.
Identifiers: ClinVar variation 425335 (VCV000425335.45), dbSNP rs371979566, ClinGen allele CA16621820.

ClinVar aggregate classification (germline): Uncertain significance. Review status: criteria provided, multiple submitters, no conflicts (2 of 4 stars). 3 submissions from 3 submitters: Uncertain significance (3). Last evaluated 2025-04-29.

Conditions:
Inborn genetic diseases. Identifiers: MedGen C0950123, MeSH D030342.

Allele frequency attached by ClinVar (database versions not stated): TOPMed below 0.00001; gnomAD 0.00001; gnomAD exomes 0.00001.
gnomAD v4.1: 14 of 1,614,052 alleles (0.00087%); highest among the groups gnomAD compares: Middle Eastern, 0.033%; 1 homozygote.

Submissions (3):

Ambry Genetics
Classification: Uncertain significance for Inborn genetic diseases. Last evaluated: 2025-04-29. Review status: criteria provided, single submitter. Criteria: Ambry Variant Classification Scheme 2023. Collection method: clinical testing. Allele origin: germline.

Labcorp Genetics (formerly Invitae), Labcorp
Classification: Uncertain significance. Last evaluated: 2022-10-24. Review status: criteria provided, single submitter. Criteria: Invitae Variant Classification Sherloc (09022015). Collection method: clinical testing. Allele origin: germline.
Comment: This sequence change replaces tyrosine, which is neutral and polar, with histidine, which is basic and polar, at codon 15 of the MTTP protein (p.Tyr15His). This variant is not present in population databases (gnomAD no frequency). This variant has not been reported in the literature in individuals affected with MTTP-related conditions. ClinVar contains an entry for this variant (Variation ID: 425335). Advanced modeling of protein sequence and biophysical properties (such as structural, functional, and spatial information, amino acid conservation, physicochemical variation, residue mobility, and thermodynamic stability) has been performed at Invitae for this missense variant, however the output from this modeling did not meet the statistical confidence thresholds required to predict the impact of this variant on MTTP protein function. In summary, the available evidence is currently insufficient to determine the role of this variant in disease. Therefore, it has been classified as a Variant of Uncertain Significance.

CeGaT Center for Human Genetics Tuebingen
Classification: Uncertain significance. Last evaluated: 2017-02-01. Review status: criteria provided, single submitter. Criteria: CeGaT Center For Human Genetics Tuebingen Variant Classification Criteria Version 2. Collection method: clinical testing. Allele origin: germline. Affected: yes. Observed: 1 variant allele.